The following is an entry in ClinVar:

NM_177438.3(DICER1):c.397_400delinsGGG (p.Trp133fs)

Gene: DICER1 (dicer 1, ribonuclease III; minus strand). Cytogenetic location: 14q32.13.
Variant type: Indel.
Coding change: c.397_400delinsGGG on transcript NM_177438.3 (MANE Select); coding-DNA positions 397 to 400, TGGA replaced by GGG.
Protein change: p.Trp133fs; shifts the reading frame from tryptophan 133.
Molecular consequence: frameshift variant. On other transcripts: 5 prime UTR variant (2), non-coding transcript variant (5), intron variant (6).
Genome position (GRCh38, 1-based): chr14:95,131,547-95,131,550, TCCA replaced by CCC on the plus strand (TGGA replaced by GGG on the coding strand, the reverse complement: DICER1 is on the minus strand). VCF-style: chr14-95131547-TCCA-CCC. GRCh37 (hg19) VCF-style: chr14-95597884-TCCA-CCC.
Other names: c.397_400delinsGGG, p.Trp133fs (NM_001195573.1, NM_001271282.3, NM_001291628.2 and 14 more transcripts); c.115_118delinsGGG, p.Trp39fs (NM_001395686.1); c.-62_-59delinsGGG (NM_001395691.1); c.-1172_-1169delinsGGG (NM_001395697.1); c.33+965_33+968delinsGGG (NM_001395690.1, NM_001395687.1, NM_001395689.1 and 3 more transcripts); short protein forms W133fs, W39fs.
Identifiers: ClinVar variation 3501926 (VCV003501926.1).

ClinVar aggregate classification (germline): Pathogenic (1 of 4 stars; one submission).

Conditions:
Hereditary cancer-predisposing syndrome. Also called: Tumor predisposition; Neoplastic Syndromes, Hereditary; Hereditary Cancer Syndrome; Hereditary neoplastic syndrome. Identifiers: Orphanet 140162, MedGen C0027672, MeSH D009386, MONDO:0015356.

Submission:

Ambry Genetics
Classification: Pathogenic for Hereditary cancer-predisposing syndrome. Last evaluated: 2024-11-11. Review status: criteria provided, single submitter. Criteria: Ambry Variant Classification Scheme 2023. Collection method: clinical testing. Allele origin: germline.
Comment: The c.397_400delTGGAinsGGG pathogenic mutation, located in coding exon 3 of the DICER1 gene, results from the deletion of 4 nucleotides and insertion of 3 nucleotides causing a translational frameshift with a predicted alternate stop codon (p.W133Gfs*18). This variant is considered to be rare based on population cohorts in the Genome Aggregation Database (gnomAD). This alteration is expected to result in loss of function by premature protein truncation or nonsense-mediated mRNA decay. As such, this alteration is interpreted as a disease-causing mutation.